The following is an entry in ClinVar:

NM_000023.4(SGCA):c.82_85del (p.Leu28fs)

Gene: SGCA (sarcoglycan alpha; plus strand). Cytogenetic location: 17q21.33.
Variant type: Deletion.
Coding change: c.82_85del on transcript NM_000023.4 (MANE Select); coding-DNA positions 82 to 85, 4 bases deleted (CTAC; older notation c.82_85delCTAC).
Protein change: p.Leu28fs; shifts the reading frame from leucine 28.
Molecular consequence: frameshift variant. On other transcripts: non-coding transcript variant (1).
Genome position (GRCh38, 1-based): chr17:50,167,412-50,167,415, CTAC deleted. VCF-style (leftmost placement, unchanged base first): chr17-50167411-GCTAC-G. GRCh37 (hg19) VCF-style: chr17-48244772-GCTAC-G.
Other names: c.82_85del, p.Leu28fs (NM_001135697.3); short protein forms L28fs.
Identifiers: ClinVar variation 4817881 (VCV004817881.1).

ClinVar aggregate classification (germline): Likely pathogenic (1 of 4 stars; one submission).

Conditions:
Autosomal recessive limb-girdle muscular dystrophy type 2D (LGMDR3). Also called: ADHALINOPATHY, PRIMARY; DUCHENNE-LIKE AUTOSOMAL RECESSIVE MUSCULAR DYSTROPHY, TYPE 2; MUSCULAR DYSTROPHY, LIMB-GIRDLE, AUTOSOMAL RECESSIVE 3. Identifiers: Orphanet 62, MedGen C2936332, MONDO:0011968, OMIM 608099. Disease mechanism: Affects gamma-sarcoglycan and also disrupts the integrity of the entire sarcoglycan complex..

Submission:

Natera, Inc.
Classification: Likely pathogenic for Limb-girdle muscular dystrophy type 2D. Last evaluated: 2024-11-27. Review status: criteria provided, single submitter. Criteria: Natera Variant Classification Schema (03/2026). Collection method: clinical testing. Allele origin: germline.
Comment: The c.82_85del variant in SGCA is a frameshift variant predicted to shift the reading frame beginning at codon 28 and leads to a stop codon 18 codons downstream. This variant is expected to result in nonsense mediated decay, truncation, or a dysfunctional protein product. This variant is rare in the general population with a frequency below the threshold expected for the associated phenotype(s). Given the available evidence, this variant is classified as Likely Pathogenic.